The following is an entry in ClinVar:

NM_001060.6(TBXA2R):c.274C>T (p.Leu92Phe)

Gene: TBXA2R (thromboxane A2 receptor; minus strand). Cytogenetic location: 19p13.3.
Variant type: single nucleotide variant.
Coding change: c.274C>T on transcript NM_001060.6 (MANE Select); coding-DNA position 274, C replaced by T.
Protein change: p.Leu92Phe; replaces leucine 92 with phenylalanine.
Molecular consequence: missense variant.
Genome position (GRCh38, 1-based): chr19:3,600,361, G>A on the plus strand (C>T on the coding strand, the complement: TBXA2R is on the minus strand). VCF-style: chr19-3600361-G-A. GRCh37 (hg19) VCF-style: chr19-3600359-G-A.
Other names: c.274C>T, p.Leu92Phe (NM_201636.3); short protein forms L92F.
Identifiers: ClinVar variation 2771335 (VCV002771335.3), dbSNP rs2032703931, ClinGen allele CA403335270.

ClinVar aggregate classification (germline): Uncertain significance (1 of 4 stars; one submission).

Allele frequency attached by ClinVar (database versions not stated): gnomAD 0.00001.

Submission:

Labcorp Genetics (formerly Invitae), Labcorp
Classification: Uncertain significance. Last evaluated: 2023-11-17. Review status: criteria provided, single submitter. Criteria: Invitae Variant Classification Sherloc (09022015). Collection method: clinical testing. Allele origin: germline.
Comment: This sequence change replaces leucine, which is neutral and non-polar, with phenylalanine, which is neutral and non-polar, at codon 92 of the TBXA2R protein (p.Leu92Phe). This variant is not present in population databases (gnomAD no frequency). This variant has not been reported in the literature in individuals affected with TBXA2R-related conditions. Advanced modeling of protein sequence and biophysical properties (such as structural, functional, and spatial information, amino acid conservation, physicochemical variation, residue mobility, and thermodynamic stability) performed at Invitae indicates that this missense variant is not expected to disrupt TBXA2R protein function with a negative predictive value of 80%. In summary, the available evidence is currently insufficient to determine the role of this variant in disease. Therefore, it has been classified as a Variant of Uncertain Significance.